The following is an entry in ClinVar:

NM_018051.5(DYNC2I1):c.2926A>G (p.Thr976Ala)

Gene: DYNC2I1 (dynein 2 intermediate chain 1; plus strand). Cytogenetic location: 7q36.3.
Variant type: single nucleotide variant.
Coding change: c.2926A>G on transcript NM_018051.5 (MANE Select); coding-DNA position 2926, A replaced by G.
Protein change: p.Thr976Ala; replaces threonine 976 with alanine.
Molecular consequence: missense variant.
Genome position (GRCh38, 1-based): chr7:158,942,072, A>G. VCF-style: chr7-158942072-A-G. GRCh37 (hg19) VCF-style: chr7-158734763-A-G.
Other names: c.2788A>G, p.Thr930Ala (NM_001350914.2); c.2353A>G, p.Thr785Ala (NM_001350915.2); c.1465A>G, p.Thr489Ala (NM_001350916.2); c.1678A>G, p.Thr560Ala (NM_001350917.2, NM_001350918.2); short protein forms T976A, T560A, T930A, T489A, T785A.
Identifiers: ClinVar variation 951185 (VCV000951185.9), dbSNP rs1851430228, ClinGen allele CA370190712.

ClinVar aggregate classification (germline): Uncertain significance (1 of 4 stars; one submission).

Conditions:
Short-rib thoracic dysplasia 8 with or without polydactyly (SRTD8). Also called: SHORT-RIB THORACIC DYSPLASIA 8 WITH POLYDACTYLY. Identifiers: Orphanet 93271, MedGen C3809691, MONDO:0014214, OMIM 615503.

gnomAD v4.1: 1 of 1,611,096 alleles (0.000062%); no homozygotes.

Submission:

Labcorp Genetics (formerly Invitae), Labcorp
Classification: Uncertain significance for Short-rib thoracic dysplasia 8 with or without polydactyly. Last evaluated: 2024-10-08. Review status: criteria provided, single submitter. Criteria: Invitae Variant Classification Sherloc (09022015). Collection method: clinical testing. Allele origin: germline.
Comment: This sequence change replaces threonine, which is neutral and polar, with alanine, which is neutral and non-polar, at codon 976 of the WDR60 protein (p.Thr976Ala). This variant is not present in population databases (gnomAD no frequency). This variant has not been reported in the literature in individuals affected with WDR60-related conditions. ClinVar contains an entry for this variant (Variation ID: 951185). An algorithm developed to predict the effect of missense changes on protein structure and function outputs the following: PolyPhen-2: "Benign". The alanine amino acid residue is found in multiple mammalian species, which suggests that this missense change does not adversely affect protein function. In summary, the available evidence is currently insufficient to determine the role of this variant in disease. Therefore, it has been classified as a Variant of Uncertain Significance.